The following is an entry in ClinVar:

NM_004982.4(KCNJ8):c.-66A>T

Genes: KCNJ8-AS1 (KCNJ8 antisense RNA 1; plus strand), KCNJ8 (potassium inwardly rectifying channel subfamily J member 8; minus strand). Cytogenetic location: 12p12.1.
Variant type: single nucleotide variant.
Coding change: c.-66A>T on transcript NM_004982.4 (MANE Select); 66 bases upstream of the start codon, A replaced by T.
Molecular consequence: 5 prime UTR variant.
Genome position (GRCh38, 1-based): chr12:21,773,682, T>A on the plus strand (A>T on the coding strand, the complement: KCNJ8 is on the minus strand). VCF-style: chr12-21773682-T-A. GRCh37 (hg19) VCF-style: chr12-21926616-T-A.
Other names: NC_000012.11:g.21926616T>A.
Identifiers: ClinVar variation 137996 (VCV000137996.3), dbSNP rs74069152, ClinGen allele CA291763.

ClinVar aggregate classification (germline): Benign. Review status: criteria provided, multiple submitters, no conflicts (2 of 4 stars). 2 submissions from 2 submitters: Benign (2). Last evaluated 2014-01-16.

Allele frequency attached by ClinVar (database versions not stated): gnomAD exomes 0.00281; gnomAD 0.02940 and 0.03159; TOPMed 0.03354; 1000 Genomes Project 0.03534; 1000 Genomes Project 30x 0.03763.
gnomAD v4.1: 8,772 of 1,599,818 alleles (0.55%); highest among the groups gnomAD compares: African/African-American, 10%; 449 homozygotes.

Submissions (7):

GeneDx
Classification: Benign. Last evaluated: 2014-01-16. Review status: criteria provided, single submitter. Criteria: GeneDx Variant Classification (06012015). Collection method: clinical testing. Allele origin: germline. Affected: yes.
Comment: This variant is considered likely benign or benign based on one or more of the following criteria: it is a conservative change, it occurs at a poorly conserved position in the protein, it is predicted to be benign by multiple in silico algorithms, and/or has population frequency not consistent with disease.

Breakthrough Genomics
Classification: Benign. Review status: criteria provided, single submitter. Criteria: ACMG Guidelines, 2015. Collection method: not provided. Allele origin: germline. Inheritance: Unknown mechanism. Affected: yes.

Dr. Peter K. Rogan Lab, Western University
No classification provided (evidence only). Condition: Thyroid cancer, nonmedullary, 1. Review status: no classification provided. Collection method: in vitro. Allele origin: not applicable. Functional consequence: retained intron. Not counted in ClinVar's aggregate classification.

Dr. Peter K. Rogan Lab, Western University
No classification provided (evidence only). Condition: Cervical cancer. Review status: no classification provided. Collection method: in vitro. Allele origin: not applicable. Functional consequence: retained intron. Not counted in ClinVar's aggregate classification.

Dr. Peter K. Rogan Lab, Western University
No classification provided (evidence only). Condition: Ovarian serous cystadenocarcinoma. Review status: no classification provided. Collection method: in vitro. Allele origin: not applicable. Functional consequence: retained intron. Not counted in ClinVar's aggregate classification.

Dr. Peter K. Rogan Lab, Western University
No classification provided (evidence only). Condition: Ovarian serous cystadenocarcinoma. Review status: no classification provided. Collection method: in vitro. Allele origin: not applicable. Functional consequence: retained intron. Not counted in ClinVar's aggregate classification.

Dr. Peter K. Rogan Lab, Western University
No classification provided (evidence only). Condition: Ovarian serous cystadenocarcinoma. Review status: no classification provided. Collection method: in vitro. Allele origin: not applicable. Functional consequence: retained intron. Not counted in ClinVar's aggregate classification.